The following is an entry in ClinVar:

ClinVar aggregate classification (germline): Benign. Review status: reviewed by expert panel (3 of 4 stars). 4 submissions from 4 submitters: Benign (1). 3 of the submissions do not count toward it. Last evaluated 2026-04-23.

Conditions:
Pitt-Hopkins syndrome (PTHS). Also called: ENCEPHALOPATHY, SEVERE EPILEPTIC, WITH AUTONOMIC DYSFUNCTION; MENTAL RETARDATION, SYNDROMAL, WITH INTERMITTENT HYPERVENTILATION. Identifiers: Orphanet 2896, MedGen C1970431, MONDO:0012589, OMIM 610954.
Inborn genetic diseases. Identifiers: MedGen C0950123, MeSH D030342.

Allele frequency attached by ClinVar (database versions not stated): TOPMed 0.00002; gnomAD 0.00003.
gnomAD v4.1: 4 of 1,613,982 alleles (0.00025%); highest among the groups gnomAD compares: African/African-American, 0.0053%; no homozygotes.

Submissions (4):

ClinGen Rett and Angelman-like Disorders Variant Curation Expert Panel
Classification: Benign for Pitt-Hopkins syndrome. Last evaluated: 2026-04-23. Review status: reviewed by expert panel. Criteria: ClinGen RettAS ACMG Specifications TCF4 V5.0.0. Collection method: curation. Allele origin: germline. Inheritance: Autosomal dominant inheritance.
Comment: The highest population minor allele frequency of the p.Asp457Gly variant in TCF4 in gnomAD v4.1.1 is 0.000053 in the African/African-American population, which is higher than the ClinGen Rett and Angelman-like Disorders VCEP threshold (≥0.0000083) for BS1, and therefore meets this criterion (BS1). The p.Asp457Gly variant is observed in at least 2 unaffected individuals (internal database - GeneDx) (BS2). The computational predictor REVEL gives a score of 0.231, which is below the threshold of 0.290, evidence that does not predict a damaging effect on TCF4 function (BP4). In summary, the p.Asp457Gly variant in TCF4 is classified as benign based on the ACMG/AMP criteria (BS1, BS2, BP4). (TCF4 Specifications v5.0; curation approved on 4/23/2026)

Ambry Genetics
Classification: Uncertain significance for Inborn genetic diseases. Last evaluated: 2026-06-24. Review status: criteria provided, single submitter. Criteria: Ambry Variant Classification Scheme 2023. Collection method: clinical testing. Allele origin: germline. Not counted in ClinVar's aggregate classification.

Labcorp Genetics (formerly Invitae), Labcorp
Classification: Likely benign for Pitt-Hopkins syndrome. Last evaluated: 2025-05-27. Review status: criteria provided, single submitter. Criteria: Invitae Variant Classification Sherloc (09022015). Collection method: clinical testing. Allele origin: germline. Not counted in ClinVar's aggregate classification.

GeneDx
Classification: Uncertain significance. Last evaluated: 2023-07-25. Review status: criteria provided, single submitter. Criteria: GeneDx Variant Classification Process June 2021. Collection method: clinical testing. Allele origin: germline. Affected: yes. Not counted in ClinVar's aggregate classification.
Comment: Not observed at significant frequency in large population cohorts (gnomAD); In silico analysis supports that this missense variant has a deleterious effect on protein structure/function; Has not been previously published as pathogenic or benign to our knowledge

NM_001083962.2(TCF4):c.1370A>G (p.Asp457Gly)

Genes: TCF4 (transcription factor 4; minus strand), LOC121627832 (Sharpr-MPRA regulatory region 5538; plus strand). Cytogenetic location: 18q21.2.
Variant type: single nucleotide variant.
Coding change: c.1370A>G on transcript NM_001083962.2 (MANE Select); coding-DNA position 1370, A replaced by G.
Protein change: p.Asp457Gly; replaces aspartic acid 457 with glycine.
Molecular consequence: missense variant.
Genome position (GRCh38, 1-based): chr18:55,234,664, T>C on the plus strand (A>G on the coding strand, the complement: TCF4 is on the minus strand). VCF-style: chr18-55234664-T-C. GRCh37 (hg19) VCF-style: chr18-52901895-T-C.
Other names: NM_001083962.2(TCF4):c.1370A>G; p.Asp457Gly; c.1676A>G, p.Asp559Gly (NM_001243226.3); c.1298A>G, p.Asp433Gly (NM_001243227.2, NM_001306207.1, NM_001369575.1 and 5 more transcripts); c.1388A>G, p.Asp463Gly (NM_001243228.2); c.1361A>G, p.Asp454Gly (NM_001243230.2); c.1244A>G, p.Asp415Gly (NM_001243231.2, NM_001348211.2); c.1157A>G, p.Asp386Gly (NM_001243232.1, NM_001306208.1); and 9 more; short protein forms D241G, D296G, D297G, D327G, D386G, D415G, D432G, D433G.
Identifiers: ClinVar variation 2421530 (VCV002421530.9), dbSNP rs930778822, ClinGen allele CA300798636.
Genomic context (GRCh38, chr18:55,234,664, plus strand): 5'-AGCTGTGGAACCGGAACCTGGTTTGGCAGAAGAGAATGGCTGCCTCTCAGGGCCACGCCA[T>C]CTTCACGATGGGTCCCCACCTGAAAGGGCGAGAGGAACCAGAGAGGTGAGCAGGAACCGG-3'
Protein context (NP_001077431.1, residues 447-467): HSLMVGTHRE[Asp457Gly]GVALRGSHSL